The following is an entry in ClinVar:

NM_002471.4(MYH6):c.408C>T (p.Ala136=)

Genes: MYH6 (myosin heavy chain 6; minus strand), LOC114827851 (VISTA enhancer hs2155; plus strand). Cytogenetic location: 14q11.2.
Variant type: single nucleotide variant.
Coding change: c.408C>T on transcript NM_002471.4 (MANE Select); coding-DNA position 408, C replaced by T.
Protein change: p.Ala136=; no amino-acid change (alanine 136 retained).
Molecular consequence: synonymous variant.
Genome position (GRCh38, 1-based): chr14:23,405,317, G>A on the plus strand (C>T on the coding strand, the complement: MYH6 is on the minus strand). VCF-style: chr14-23405317-G-A. GRCh37 (hg19) VCF-style: chr14-23874526-G-A.
Identifiers: ClinVar variation 239173 (VCV000239173.26), dbSNP rs140732380, ClinGen allele CA7116175.

ClinVar aggregate classification (germline): Benign/Likely benign. Review status: criteria provided, multiple submitters, no conflicts (2 of 4 stars). 6 submissions from 6 submitters: Benign (2); Likely benign (3). 1 of the submissions does not count toward it. Last evaluated 2025-11-16.

Conditions:
Cardiovascular phenotype. Identifiers: MedGen CN230736.
MYH6-related disorder. Also called: MYH6-Related Disorders; MYH6-related condition.
Cardiomyopathy (CMYO). Also called: Cardiomyopathies. Identifiers: Orphanet 167848, MedGen C0878544, MONDO:0004994, HP:0001638. Inheritance: Various modes of inheritance.
Hypertrophic cardiomyopathy 14. Identifiers: MedGen C2750467, MONDO:0013197, OMIM 613251.

Allele frequency attached by ClinVar (database versions not stated): gnomAD exomes 0.00018 and 0.00046; ExAC 0.00019; 1000 Genomes Project 0.00020; TOPMed 0.00022; ESP Exome Variant Server 0.00023; gnomAD 0.00024 and 0.00025; 1000 Genomes Project 30x 0.00031.
gnomAD v4.1: 701 of 1,614,128 alleles (0.043%); highest among the groups gnomAD compares: Non-Finnish European, 0.054%; no homozygotes.

Submissions (6):

Labcorp Genetics (formerly Invitae), Labcorp
Classification: Likely benign for Hypertrophic cardiomyopathy 14. Last evaluated: 2025-11-16. Review status: criteria provided, single submitter. Criteria: Invitae Variant Classification Sherloc (09022015). Collection method: clinical testing. Allele origin: germline.

Women's Health and Genetics/Laboratory Corporation of America, LabCorp
Classification: Benign. Last evaluated: 2024-02-05. Review status: criteria provided, single submitter. Criteria: LabCorp Variant Classification Summary - May 2015. Collection method: clinical testing. Allele origin: germline.

GeneDx
Classification: Likely benign. Last evaluated: 2019-02-08. Review status: criteria provided, single submitter. Criteria: GeneDx Variant Classification Process June 2021. Collection method: clinical testing. Allele origin: germline. Affected: yes.

Ambry Genetics
Classification: Likely benign for Cardiovascular phenotype. Last evaluated: 2018-10-04. Review status: criteria provided, single submitter. Criteria: Ambry Variant Classification Scheme 2023. Collection method: clinical testing. Allele origin: germline.

CHEO Genetics Diagnostic Laboratory, Children's Hospital of Eastern Ontario
Classification: Benign for Cardiomyopathy. Last evaluated: 2018-02-27. Review status: criteria provided, single submitter. Criteria: ACMG Guidelines, 2015. Collection method: clinical testing. Allele origin: germline.

PreventionGenetics, part of Exact Sciences
Classification: Likely benign for MYH6-related condition. Last evaluated: 2019-03-07. Review status: no assertion criteria provided. Collection method: clinical testing. Allele origin: germline. Not counted in ClinVar's aggregate classification.
Comment: This variant is classified as likely benign based on ACMG/AMP sequence variant interpretation guidelines (Richards et al. 2015 PMID: 25741868, with internal and published modifications).